The following is an entry in ClinVar:

ClinVar aggregate classification (germline): Uncertain significance (1 of 4 stars; one submission).

Conditions:
Cenani-Lenz syndactyly syndrome. Also called: SYNDACTYLY, TYPE VII; CENANI SYNDACTYLISM. Identifiers: Orphanet 3258, MedGen C1859309, MONDO:0008931, OMIM 212780.
Sclerosteosis 2 (SOST2). Identifiers: Orphanet 3152, MedGen C3280402, MONDO:0013679, OMIM 614305.
Congenital myasthenic syndrome 17. Identifiers: Orphanet 590, MedGen C4225377, MONDO:0014578, OMIM 616304.

Allele frequency attached by ClinVar (database versions not stated): TOPMed 0.00002; gnomAD exomes 0.00001; gnomAD 0.00002.
gnomAD v4.1: 12 of 1,612,264 alleles (0.00074%); highest among the groups gnomAD compares: Non-Finnish European, 0.001%; no homozygotes.

Submission:

Labcorp Genetics (formerly Invitae), Labcorp
Classification: Uncertain significance for Cenani-Lenz syndactyly syndrome; Sclerosteosis 2; Congenital myasthenic syndrome 17. Last evaluated: 2025-04-18. Review status: criteria provided, single submitter. Criteria: Invitae Variant Classification Sherloc (09022015). Collection method: clinical testing. Allele origin: germline.
Comment: This sequence change replaces proline, which is neutral and non-polar, with leucine, which is neutral and non-polar, at codon 1559 of the LRP4 protein (p.Pro1559Leu). This variant is present in population databases (no rsID available, gnomAD 0.002%). This variant has not been reported in the literature in individuals affected with LRP4-related conditions. ClinVar contains an entry for this variant (Variation ID: 2922590). Invitae Evidence Modeling of protein sequence and biophysical properties (such as structural, functional, and spatial information, amino acid conservation, physicochemical variation, residue mobility, and thermodynamic stability) indicates that this missense variant is not expected to disrupt LRP4 protein function with a negative predictive value of 80%. In summary, the available evidence is currently insufficient to determine the role of this variant in disease. Therefore, it has been classified as a Variant of Uncertain Significance.

NM_002334.4(LRP4):c.4676C>T (p.Pro1559Leu)

Genes: LRP4 (LDL receptor related protein 4; minus strand), LRP4-AS1 (LRP4 antisense RNA 1; plus strand). Cytogenetic location: 11p11.2.
Variant type: single nucleotide variant.
Coding change: c.4676C>T on transcript NM_002334.4 (MANE Select); coding-DNA position 4676, C replaced by T.
Protein change: p.Pro1559Leu; replaces proline 1559 with leucine.
Molecular consequence: missense variant.
Genome position (GRCh38, 1-based): chr11:46,871,541, G>A on the plus strand (C>T on the coding strand, the complement: LRP4 is on the minus strand). VCF-style: chr11-46871541-G-A. GRCh37 (hg19) VCF-style: chr11-46893092-G-A.
Other names: short protein forms P1559L.
Identifiers: ClinVar variation 2922590 (VCV002922590.3), dbSNP rs1157441585, ClinGen allele CA380265763.